The following is an entry in ClinVar:

ClinVar aggregate classification (germline): Conflicting classifications of pathogenicity. Review status: criteria provided, conflicting classifications (1 of 4 stars). 2 submissions from 2 submitters: Uncertain significance (1); Likely benign (1). Last evaluated 2025-12-30.

Conditions:
Brugada syndrome. Also called: Sudden unexplained nocturnal death syndrome; Sudden unexpected nocturnal death syndrome; Sudden Unexplained Death Syndrome; Sudden Unexplained Nocturnal Death Syndrome (SUNDS). Identifiers: Orphanet 130, MedGen C1142166, MONDO:0015263.
Cardiovascular phenotype. Identifiers: MedGen CN230736.

gnomAD v4.1: 5 of 1,614,078 alleles (0.00031%); highest among the groups gnomAD compares: Admixed American, 0.0067%; no homozygotes.

Submissions (2):

Ambry Genetics
Classification: Likely benign for Cardiovascular phenotype. Last evaluated: 2025-12-30. Review status: criteria provided, single submitter. Criteria: Ambry Variant Classification Scheme 2023. Collection method: clinical testing. Allele origin: germline.

Labcorp Genetics (formerly Invitae), Labcorp
Classification: Uncertain significance for Brugada syndrome. Last evaluated: 2025-09-23. Review status: criteria provided, single submitter. Criteria: Invitae Variant Classification Sherloc (09022015). Collection method: clinical testing. Allele origin: germline.
Comment: This sequence change replaces leucine, which is neutral and non-polar, with phenylalanine, which is neutral and non-polar, at codon 1323 of the SCN10A protein (p.Leu1323Phe). This variant is present in population databases (rs769071290, gnomAD 0.006%). This variant has not been reported in the literature in individuals affected with SCN10A-related conditions. Invitae Evidence Modeling of protein sequence and biophysical properties (such as structural, functional, and spatial information, amino acid conservation, physicochemical variation, residue mobility, and thermodynamic stability) indicates that this missense variant is not expected to disrupt SCN10A protein function with a negative predictive value of 80%. In summary, the available evidence is currently insufficient to determine the role of this variant in disease. Therefore, it has been classified as a Variant of Uncertain Significance.

NM_006514.4(SCN10A):c.3969G>C (p.Leu1323Phe)

Gene: SCN10A (sodium voltage-gated channel alpha subunit 10; minus strand). Cytogenetic location: 3p22.2.
Variant type: single nucleotide variant.
Coding change: c.3969G>C on transcript NM_006514.4 (MANE Select); coding-DNA position 3969, G replaced by C.
Protein change: p.Leu1323Phe; replaces leucine 1323 with phenylalanine.
Molecular consequence: missense variant.
Genome position (GRCh38, 1-based): chr3:38,712,281, C>G on the plus strand (G>C on the coding strand, the complement: SCN10A is on the minus strand). VCF-style: chr3-38712281-C-G. GRCh37 (hg19) VCF-style: chr3-38753772-C-G.
Other names: c.3969G>C (NM_006514.2); c.3966G>C, p.Leu1322Phe (NM_001293306.2); c.3675G>C, p.Leu1225Phe (NM_001293307.2); short protein forms L1322F, L1225F, L1323F.
Identifiers: ClinVar variation 4753553 (VCV004753553.2).